The following is an entry in ClinVar:

NM_005591.4(MRE11):c.1715G>A (p.Arg572Gln)

Gene: MRE11 (MRE11 double strand break repair nuclease; minus strand). Cytogenetic location: 11q21.
Variant type: single nucleotide variant.
Coding change: c.1715G>A on transcript NM_005591.4 (MANE Select); coding-DNA position 1715, G replaced by A.
Protein change: p.Arg572Gln; replaces arginine 572 with glutamine.
Molecular consequence: missense variant.
Genome position (GRCh38, 1-based): chr11:94,447,287, C>T on the plus strand (G>A on the coding strand, the complement: MRE11 is on the minus strand). VCF-style: chr11-94447287-C-T. GRCh37 (hg19) VCF-style: chr11-94180453-C-T.
Other names: c.1715G>A, p.Arg572Gln (NM_005590.4, NM_001330347.2); short protein forms R572Q.
Identifiers: ClinVar variation 185085 (VCV000185085.20), dbSNP rs200085146, ClinGen allele CA190967.

ClinVar aggregate classification (germline): Uncertain significance. Review status: criteria provided, multiple submitters, no conflicts (2 of 4 stars). 5 submissions from 5 submitters: Uncertain significance (5). Last evaluated 2025-09-28.

Conditions:
Ataxia-telangiectasia-like disorder (ATLD). Identifiers: MedGen C1858391, MONDO:0011457.
Hereditary cancer-predisposing syndrome. Also called: Hereditary neoplastic syndrome; Neoplastic Syndromes, Hereditary; Tumor predisposition; Hereditary Cancer Syndrome. Identifiers: Orphanet 140162, MedGen C0027672, MeSH D009386, MONDO:0015356.
Hereditary breast ovarian cancer syndrome. Also called: Hereditary breast and ovarian cancer syndrome (HBOC); Breast and ovarian cancer; Hereditary breast and/or ovarian cancer syndrome; BRCA1- and BRCA2-Associated Hereditary Breast and Ovarian Cancer; Hereditary breast and ovarian cancer syndrome; Hereditary breast and ovarian cancer. Identifiers: Orphanet 145, MedGen C0677776, MeSH D061325, MONDO:0003582. Disease mechanism: loss of function.
Ataxia-telangiectasia-like disorder 1 (ATLD1). Identifiers: Orphanet 251347, MedGen C4012790, MONDO:0024557, OMIM 604391.

Allele frequency attached by ClinVar (database versions not stated): gnomAD 0.00001; gnomAD exomes 0.00001 and 0.00002; ExAC 0.00002; TOPMed 0.00002; 1000 Genomes Project 30x 0.00016; 1000 Genomes Project 0.00020.
gnomAD v4.1: 23 of 1,614,064 alleles (0.0014%); highest among the groups gnomAD compares: East Asian, 0.04%; 1 homozygote.

Submissions (5):

Ambry Genetics
Classification: Uncertain significance for Hereditary cancer-predisposing syndrome. Last evaluated: 2025-09-28. Review status: criteria provided, single submitter. Criteria: Ambry Variant Classification Scheme 2023. Collection method: clinical testing. Allele origin: germline.
Comment: The p.R572Q variant (also known as c.1715G>A), located in coding exon 14 of the MRE11A gene, results from a G to A substitution at nucleotide position 1715. The arginine at codon 572 is replaced by glutamine, an amino acid with highly similar properties. This amino acid position is highly conserved in available vertebrate species. In addition, the in silico prediction for this alteration is inconclusive. Since supporting evidence is limited at this time, the clinical significance of this alteration remains unclear.

Athena Diagnostics
Classification: Uncertain significance. Last evaluated: 2025-04-07. Review status: criteria provided, single submitter. Criteria: Athena Diagnostics Criteria. Collection method: clinical testing. Allele origin: unknown.
Comment: Available data are insufficient to determine the clinical significance of the variant at this time. The frequency of this variant in the general population is uninformative in assessment of its pathogenicity. Assessment of experimental evidence regarding the effect of this variant on protein function is inconclusive (PMID: 23912341).

Baylor Genetics
Classification: Uncertain significance for Ataxia-telangiectasia-like disorder 1. Last evaluated: 2023-11-02. Review status: criteria provided, single submitter. Criteria: ACMG Guidelines, 2015. Collection method: clinical testing. Allele origin: unknown.

Labcorp Genetics (formerly Invitae), Labcorp
Classification: Uncertain significance for Ataxia-telangiectasia-like disorder. Last evaluated: 2022-01-08. Review status: criteria provided, single submitter. Criteria: Invitae Variant Classification Sherloc (09022015). Collection method: clinical testing. Allele origin: germline.
Comment: This sequence change replaces arginine, which is basic and polar, with glutamine, which is neutral and polar, at codon 572 of the MRE11 protein (p.Arg572Gln). This variant is present in population databases (rs200085146, gnomAD 0.02%). This variant has not been reported in the literature in individuals affected with MRE11-related conditions. ClinVar contains an entry for this variant (Variation ID: 185085). Algorithms developed to predict the effect of missense changes on protein structure and function are either unavailable or do not agree on the potential impact of this missense change (SIFT: "Deleterious"; PolyPhen-2: "Probably Damaging"; Align-GVGD: "Class C0"). Experimental studies are conflicting or provide insufficient evidence to determine the effect of this variant on MRE11 function (PMID: 23912341). In summary, the available evidence is currently insufficient to determine the role of this variant in disease. Therefore, it has been classified as a Variant of Uncertain Significance.

Cancer Genomics Group, Japanese Foundation For Cancer Research
Classification: Uncertain significance for Hereditary breast and ovarian cancer syndrome. Last evaluated: 2019-05-01. Review status: criteria provided, single submitter. Criteria: ACMG Guidelines, 2015. Collection method: research. Allele origin: germline. Affected: yes.

Literature cited by the submitters: PubMed 23912341 (cited by 3 submitters).